The following is an entry in ClinVar:

NM_000059.4(BRCA2):c.1659A>C (p.Leu553Phe)

Gene: BRCA2 (BRCA2 DNA repair associated; plus strand). Cytogenetic location: 13q13.1.
Variant type: single nucleotide variant.
Coding change: c.1659A>C on transcript NM_000059.4 (MANE Select); coding-DNA position 1659, A replaced by C.
Protein change: p.Leu553Phe; replaces leucine 553 with phenylalanine.
Molecular consequence: missense variant. On other transcripts: non-coding transcript variant (1), intron variant (1).
Genome position (GRCh38, 1-based): chr13:32,333,137, A>C. VCF-style: chr13-32333137-A-C. GRCh37 (hg19) VCF-style: chr13-32907274-A-C.
Other names: c.1659A>C, p.Leu553Phe (NM_001406719.1, NM_001406720.1, NM_001406721.1 and 1 more transcripts); c.424+2107A>C (NM_001406722.1); short protein forms L553F.
Identifiers: ClinVar variation 4215135 (VCV004215135.1).

ClinVar aggregate classification (germline): Uncertain significance (1 of 4 stars; one submission).

Conditions:
Hereditary cancer-predisposing syndrome. Also called: Neoplastic Syndromes, Hereditary; Tumor predisposition; Hereditary Cancer Syndrome; Hereditary neoplastic syndrome. Identifiers: Orphanet 140162, MedGen C0027672, MeSH D009386, MONDO:0015356.

Submission:

Ambry Genetics
Classification: Uncertain significance for Hereditary cancer-predisposing syndrome. Last evaluated: 2025-08-22. Review status: criteria provided, single submitter. Criteria: Ambry Variant Classification Scheme 2023. Collection method: clinical testing. Allele origin: germline.
Comment: The p.L553F variant (also known as c.1659A>C), located in coding exon 9 of the BRCA2 gene, results from an A to C substitution at nucleotide position 1659. The leucine at codon 553 is replaced by phenylalanine, an amino acid with highly similar properties. This amino acid position is well conserved in available vertebrate species. In addition, this alteration is predicted to be tolerated by in silico analysis. Based on the available evidence, the clinical significance of this variant remains unclear.